The following is an entry in ClinVar:

NM_000329.3(RPE65):c.629C>G (p.Pro210Arg)

Gene: RPE65 (retinoid isomerohydrolase RPE65; minus strand). Cytogenetic location: 1p31.3.
Variant type: single nucleotide variant.
Coding change: c.629C>G on transcript NM_000329.3 (MANE Select); coding-DNA position 629, C replaced by G.
Protein change: p.Pro210Arg; replaces proline 210 with arginine.
Molecular consequence: missense variant.
Genome position (GRCh38, 1-based): chr1:68,440,867, G>C on the plus strand (C>G on the coding strand, the complement: RPE65 is on the minus strand). VCF-style: chr1-68440867-G-C. GRCh37 (hg19) VCF-style: chr1-68906550-G-C.
Other names: short protein forms P210R.
Identifiers: ClinVar variation 1422063 (VCV001422063.5), dbSNP rs757538512, ClinGen allele CA902453.
Genomic context (GRCh38, chr1:68,440,867, plus strand): 5'-CAATATAGACACTTATTTTCAGAAGAGGACAGATTGGTAAACTCACCTGCTTGCAGTGGT[G>C]GGATCTTTACAATGTTGTAGGCAATTGAAAAATTTTTTCCAAAGCAATTACCAATATTGT-3'
Protein context (NP_000320.1, residues 200-220): FSIAYNIVKI[Pro210Arg]PLQADKEDPI

ClinVar aggregate classification (germline): Uncertain significance (1 of 4 stars; one submission).

Conditions:
Leber congenital amaurosis 2 (LCA2). Also called: AMAUROSIS CONGENITA OF LEBER II; Autosomal Recessive RPE65-Related Retinal Degeneration. Identifiers: Orphanet 65, MedGen C1859844, MONDO:0008765, OMIM 204100. Disease mechanism: loss of function.
Retinitis pigmentosa 20 (RP20). Identifiers: Orphanet 791, MedGen C3151086, MONDO:0013425, OMIM 613794.

Allele frequency attached by ClinVar (database versions not stated): gnomAD exomes below 0.00001 and 0.00001; TOPMed below 0.00001; ExAC 0.00001.

Submission:

Labcorp Genetics (formerly Invitae), Labcorp
Classification: Uncertain significance for Leber congenital amaurosis 2; Retinitis pigmentosa 20. Last evaluated: 2022-08-09. Review status: criteria provided, single submitter. Criteria: Invitae Variant Classification Sherloc (09022015). Collection method: clinical testing. Allele origin: germline.
Comment: This sequence change replaces proline, which is neutral and non-polar, with arginine, which is basic and polar, at codon 210 of the RPE65 protein (p.Pro210Arg). This variant is present in population databases (rs757538512, gnomAD 0.0009%). This variant has not been reported in the literature in individuals affected with RPE65-related conditions. ClinVar contains an entry for this variant (Variation ID: 1422063). Algorithms developed to predict the effect of missense changes on protein structure and function are either unavailable or do not agree on the potential impact of this missense change (SIFT: "Deleterious"; PolyPhen-2: "Probably Damaging"; Align-GVGD: "Class C0"). In summary, the available evidence is currently insufficient to determine the role of this variant in disease. Therefore, it has been classified as a Variant of Uncertain Significance.